The following is an entry in ClinVar:

NM_004715.5(CTDP1):c.43C>T (p.Pro15Ser)

Gene: CTDP1 (CTD phosphatase 1; plus strand). Cytogenetic location: 18q23.
Variant type: single nucleotide variant.
Coding change: c.43C>T on transcript NM_004715.5 (MANE Select); coding-DNA position 43, C replaced by T.
Protein change: p.Pro15Ser; replaces proline 15 with serine.
Molecular consequence: missense variant.
Genome position (GRCh38, 1-based): chr18:79,679,990, C>T. VCF-style: chr18-79679990-C-T. GRCh37 (hg19) VCF-style: chr18-77439990-C-T.
Other names: c.43C>T, p.Pro15Ser (NM_048368.4, NM_001318511.2); c.43C>T (NM_004715.4); short protein forms P15S.
Identifiers: ClinVar variation 1521381 (VCV001521381.9), dbSNP rs1162304689, ClinGen allele CA402824841.
Genomic context (GRCh38, chr18:79,679,990, plus strand): 5'-GCCCGCCCTCTGTCCGCGATGGAGGTGCCGGCCGCGGGTCGCGTTCCTGCCGAGGGCGCC[C>T]CGACGGCGGCTGTGGCCGAGGTGCGCTGCCCGGGGCCCGCGCCGCTGCGCCTGCTGGAGT-3'
Protein context (NP_004706.3, residues 5-25): AAGRVPAEGA[Pro15Ser]TAAVAEVRCP

ClinVar aggregate classification (germline): Conflicting classifications of pathogenicity. Review status: criteria provided, conflicting classifications (1 of 4 stars). 4 submissions from 4 submitters: Uncertain significance (3); Likely benign (1). Last evaluated 2025-04-03.

Allele frequency attached by ClinVar (database versions not stated): TOPMed 0.00019; gnomAD 0.00020 and 0.00024.

Submissions (4):

Women's Health and Genetics/Laboratory Corporation of America, LabCorp
Classification: Uncertain significance. Last evaluated: 2025-04-03. Review status: criteria provided, single submitter. Criteria: LabCorp Variant Classification Summary - May 2015. Collection method: clinical testing. Allele origin: germline.
Comment: Variant summary: CTDP1 c.43C>T (p.Pro15Ser) results in a non-conservative amino acid change in the encoded protein sequence. Three of five in-silico tools predict a benign effect of the variant on protein function. The variant allele was found at a frequency of 0.00013 in 29890 control chromosomes (gnomAD). The available data on variant occurrences in the general population are insufficient to allow any conclusion about variant significance. To our knowledge, no occurrence of c.43C>T in individuals affected with Congenital cataracts-facial dysmorphism-neuropathy syndrome and no experimental evidence demonstrating its impact on protein function have been reported. ClinVar contains an entry for this variant (Variation ID: 1521381). Based on the evidence outlined above, the variant was classified as uncertain significance.

Labcorp Genetics (formerly Invitae), Labcorp
Classification: Uncertain significance. Last evaluated: 2024-12-10. Review status: criteria provided, single submitter. Criteria: Invitae Variant Classification Sherloc (09022015). Collection method: clinical testing. Allele origin: germline.
Comment: This sequence change replaces proline, which is neutral and non-polar, with serine, which is neutral and polar, at codon 15 of the CTDP1 protein (p.Pro15Ser). This variant is present in population databases (no rsID available, gnomAD 0.06%). This variant has not been reported in the literature in individuals affected with CTDP1-related conditions. ClinVar contains an entry for this variant (Variation ID: 1521381). An algorithm developed to predict the effect of missense changes on protein structure and function outputs the following: PolyPhen-2: "Benign". The serine amino acid residue is found in multiple mammalian species, which suggests that this missense change does not adversely affect protein function. In summary, the available evidence is currently insufficient to determine the role of this variant in disease. Therefore, it has been classified as a Variant of Uncertain Significance.

Blueprint Genetics
Classification: Likely benign. Last evaluated: 2024-11-15. Review status: criteria provided, single submitter. Criteria: ACMG Guidelines, 2015. Collection method: clinical testing. Allele origin: germline.

Ambry Genetics
Classification: Uncertain significance. Last evaluated: 2024-02-13. Review status: criteria provided, single submitter. Criteria: Ambry Variant Classification Scheme 2023. Collection method: clinical testing. Allele origin: germline.